The following is an entry in ClinVar:

ClinVar aggregate classification (germline): Benign (0 of 4 stars; one submission).

Conditions:
LRP10-related disorder. Also called: LRP10-related condition.

Allele frequency attached by ClinVar (database versions not stated): gnomAD exomes 0.00074; ExAC 0.00218; gnomAD 0.00704; TOPMed 0.00756; ESP Exome Variant Server 0.00807; 1000 Genomes Project 0.01078; 1000 Genomes Project 30x 0.01124.

Submissions (3):

PreventionGenetics, part of Exact Sciences
Classification: Benign for LRP10-related condition. Last evaluated: 2019-06-17. Review status: no assertion criteria provided. Collection method: clinical testing. Allele origin: germline.
Comment: This variant is classified as benign based on ACMG/AMP sequence variant interpretation guidelines (Richards et al. 2015 PMID: 25741868, with internal and published modifications).

Dr. Peter K. Rogan Lab, Western University
No classification provided (evidence only). Condition: Thyroid cancer, nonmedullary, 1. Review status: no classification provided. Collection method: in vitro. Allele origin: not applicable. Functional consequence: retained intron. Not counted in ClinVar's aggregate classification.

Dr. Peter K. Rogan Lab, Western University
No classification provided (evidence only). Condition: Uterine corpus endometrial carcinoma. Review status: no classification provided. Collection method: in vitro. Allele origin: not applicable. Functional consequence: retained intron. Not counted in ClinVar's aggregate classification.

NM_014045.5(LRP10):c.691C>T (p.Arg231Trp)

Gene: LRP10 (LDL receptor related protein 10; plus strand). Cytogenetic location: 14q11.2.
Variant type: single nucleotide variant.
Coding change: c.691C>T on transcript NM_014045.5 (MANE Select); coding-DNA position 691, C replaced by T.
Protein change: p.Arg231Trp; replaces arginine 231 with tryptophan.
Molecular consequence: missense variant.
Genome position (GRCh38, 1-based): chr14:22,875,639, C>T. VCF-style: chr14-22875639-C-T. GRCh37 (hg19) VCF-style: chr14-23344848-C-T.
Other names: NC_000014.8:g.23344848C>T; c.691C>T, p.Arg231Trp (NM_001329226.2); short protein forms R231W.
Identifiers: ClinVar variation 3039477 (VCV003039477.3), dbSNP rs35043211, ClinGen allele CA7105771.